The following is an entry in ClinVar:

ClinVar aggregate classification (germline): Conflicting classifications of pathogenicity. Review status: criteria provided, conflicting classifications (1 of 4 stars). 4 submissions from 3 submitters: Uncertain significance (3); Benign (1). Last evaluated 2023-03-01.

Conditions:
GM1 gangliosidosis. Identifiers: Orphanet 354, MedGen C0085131, MONDO:0018149.
Mucopolysaccharidosis, MPS-IV-B (MPS4B). Also called: Mucopolysaccharidosis type IVB (Morquio); MPS IVB; Mucopolysaccharidosis type 4B; MORQUIO SYNDROME B; Mucopolysaccharidosis Type IVB; Mucopolysaccharidosis type IV B. Identifiers: Orphanet 309310, Orphanet 582, MedGen C0086652, MONDO:0009660, OMIM 253010.

Allele frequency attached by ClinVar (database versions not stated): 1000 Genomes Project 0.00319; 1000 Genomes Project 30x 0.00344; TOPMed 0.00607; gnomAD 0.00826 and 0.00851; gnomAD exomes 0.00854.
gnomAD v4.1: 3,152 of 375,242 alleles (0.84%); highest among the groups gnomAD compares: Non-Finnish European, 1.1%; 25 homozygotes.

Submissions (4):

CeGaT Center for Human Genetics Tuebingen
Classification: Benign. Last evaluated: 2023-03-01. Review status: criteria provided, single submitter. Criteria: CeGaT Center For Human Genetics Tuebingen Variant Classification Criteria Version 2. Collection method: clinical testing. Allele origin: germline. Affected: yes. Observed: 3 variant alleles.
Comment: GLB1: BS1, BS2

Illumina Laboratory Services, Illumina
Classification: Uncertain significance for Mucopolysaccharidosis, MPS-IV-B. Last evaluated: 2018-01-13. Review status: criteria provided, single submitter. Criteria: ICSL Variant Classification Criteria 13 December 2019. Collection method: clinical testing. Allele origin: germline.

Illumina Laboratory Services, Illumina
Classification: Uncertain significance for GM1 gangliosidosis. Last evaluated: 2018-01-13. Review status: criteria provided, single submitter. Criteria: ICSL Variant Classification Criteria 13 December 2019. Collection method: clinical testing. Allele origin: germline.

Breakthrough Genomics
Classification: Uncertain significance. Review status: criteria provided, single submitter. Criteria: ACMG Guidelines, 2015. Collection method: not provided. Allele origin: germline. Inheritance: Autosomal recessive inheritance. Affected: yes.

NM_000404.4(GLB1):c.*319G>A

Gene: GLB1 (galactosidase beta 1; minus strand). Cytogenetic location: 3p22.3.
Variant type: single nucleotide variant.
Coding change: c.*319G>A on transcript NM_000404.4 (MANE Select); 319 bases downstream of the stop codon, G replaced by A.
Molecular consequence: 3 prime UTR variant. On other transcripts: intron variant (1).
Genome position (GRCh38, 1-based): chr3:32,996,726, C>T on the plus strand (G>A on the coding strand, the complement: GLB1 is on the minus strand). VCF-style: chr3-32996726-C-T. GRCh37 (hg19) VCF-style: chr3-33038218-C-T.
Other names: c.*319G>A (NM_001079811.3, NM_001135602.3, NM_001317040.2); c.1734+17330G>A (NM_001393580.1).
Identifiers: ClinVar variation 344779 (VCV000344779.30), dbSNP rs139730198, ClinGen allele CA10615627.